The following is an entry in ClinVar:

ClinVar aggregate classification (germline): Uncertain significance (1 of 4 stars; one submission).

Submission:

Labcorp Genetics (formerly Invitae), Labcorp
Classification: Uncertain significance. Last evaluated: 2025-08-07. Review status: criteria provided, single submitter. Criteria: Invitae Variant Classification Sherloc (09022015). Collection method: clinical testing. Allele origin: germline.
Comment: This sequence change replaces aspartic acid, which is acidic and polar, with asparagine, which is neutral and polar, at codon 1044 of the EIF2AK4 protein (p.Asp1044Asn). This variant is present in population databases (rs374882637, gnomAD 0.02%). This variant has not been reported in the literature in individuals affected with EIF2AK4-related conditions. Invitae Evidence Modeling of protein sequence and biophysical properties (such as structural, functional, and spatial information, amino acid conservation, physicochemical variation, residue mobility, and thermodynamic stability) indicates that this missense variant is not expected to disrupt EIF2AK4 protein function with a negative predictive value of 95%. In summary, the available evidence is currently insufficient to determine the role of this variant in disease. Therefore, it has been classified as a Variant of Uncertain Significance.

NM_001013703.4(EIF2AK4):c.3130G>A (p.Asp1044Asn)

Gene: EIF2AK4 (eukaryotic translation initiation factor 2 alpha kinase 4; plus strand). Cytogenetic location: 15q15.1.
Variant type: single nucleotide variant.
Coding change: c.3130G>A on transcript NM_001013703.4 (MANE Select); coding-DNA position 3130, G replaced by A.
Protein change: p.Asp1044Asn; replaces aspartic acid 1044 with asparagine.
Molecular consequence: missense variant.
Genome position (GRCh38, 1-based): chr15:40,001,195, G>A. VCF-style: chr15-40001195-G-A. GRCh37 (hg19) VCF-style: chr15-40293396-G-A.
Other names: short protein forms D1044N.
Identifiers: ClinVar variation 4744102 (VCV004744102.1).